The following is an entry in ClinVar:

NM_004444.5(EPHB4):c.1099G>T (p.Gly367Ter)

Gene: EPHB4 (EPH receptor B4; minus strand). Cytogenetic location: 7q22.1.
Variant type: single nucleotide variant.
Coding change: c.1099G>T on transcript NM_004444.5 (MANE Select); coding-DNA position 1099, G replaced by T.
Protein change: p.Gly367Ter; replaces glycine 367 with a stop codon.
Molecular consequence: nonsense.
Genome position (GRCh38, 1-based): chr7:100,819,755, C>A on the plus strand (G>T on the coding strand, the complement: EPHB4 is on the minus strand). VCF-style: chr7-100819755-C-A. GRCh37 (hg19) VCF-style: chr7-100417377-C-A.
Other names: short protein forms G367*.
Identifiers: ClinVar variation 3722903 (VCV003722903.2).

ClinVar aggregate classification (germline): Pathogenic (1 of 4 stars; one submission).

Submission:

Labcorp Genetics (formerly Invitae), Labcorp
Classification: Pathogenic. Last evaluated: 2025-05-01. Review status: criteria provided, single submitter. Criteria: Invitae Variant Classification Sherloc (09022015). Collection method: clinical testing. Allele origin: germline.
Comment: This sequence change creates a premature translational stop signal (p.Gly367*) in the EPHB4 gene. It is expected to result in an absent or disrupted protein product. Loss-of-function variants in EPHB4 are known to be pathogenic (PMID: 28687708). This variant is not present in population databases (gnomAD no frequency). This variant has not been reported in the literature in individuals affected with EPHB4-related conditions. ClinVar contains an entry for this variant (Variation ID: 3722903). For these reasons, this variant has been classified as Pathogenic.

Literature cited by the submitters: PubMed 28687708.